The following is an entry in ClinVar:

NM_025137.4(SPG11):c.6602C>T (p.Thr2201Ile)

Gene: SPG11 (SPG11 vesicle trafficking associated, spatacsin; minus strand). Cytogenetic location: 15q21.1.
Variant type: single nucleotide variant.
Coding change: c.6602C>T on transcript NM_025137.4 (MANE Select); coding-DNA position 6602, C replaced by T.
Protein change: p.Thr2201Ile; replaces threonine 2201 with isoleucine.
Molecular consequence: missense variant.
Genome position (GRCh38, 1-based): chr15:44,567,576, G>A on the plus strand (C>T on the coding strand, the complement: SPG11 is on the minus strand). VCF-style: chr15-44567576-G-A. GRCh37 (hg19) VCF-style: chr15-44859774-G-A.
Other names: c.6263C>T, p.Thr2088Ile (NM_001160227.2); short protein forms T2201I, T2088I.
Identifiers: ClinVar variation 1395789 (VCV001395789.6), dbSNP rs2140917223, ClinGen allele CA392215410.

ClinVar aggregate classification (germline): Uncertain significance (1 of 4 stars; one submission).

Conditions:
Hereditary spastic paraplegia 11. Also called: Nakamura Osame syndrome; Autosomal recessive hereditary spastic paraplegia, mental impairment, and thin corpus callosum; SPASTIC PARAPLEGIA, AUTOSOMAL RECESSIVE, COMPLICATED, WITH THIN CORPUS CALLOSUM; SPASTIC PARAPLEGIA, AUTOSOMAL RECESSIVE, WITH MENTAL IMPAIRMENT AND THIN CORPUS CALLOSUM; Spastic paraplegia, mental retardation and thin corpus callosum; Spastic Paraplegia 11. Identifiers: Orphanet 2822, MedGen C1858479, MONDO:0011445, OMIM 604360.

gnomAD v4.1: 3 of 1,614,000 alleles (0.00019%); highest among the groups gnomAD compares: East Asian, 0.0022%; no homozygotes.

Submission:

Labcorp Genetics (formerly Invitae), Labcorp
Classification: Uncertain significance for Hereditary spastic paraplegia 11. Last evaluated: 2021-12-11. Review status: criteria provided, single submitter. Criteria: Invitae Variant Classification Sherloc (09022015). Collection method: clinical testing. Allele origin: germline.
Comment: In summary, the available evidence is currently insufficient to determine the role of this variant in disease. Therefore, it has been classified as a Variant of Uncertain Significance. Algorithms developed to predict the effect of missense changes on protein structure and function are either unavailable or do not agree on the potential impact of this missense change (SIFT: "Deleterious"; PolyPhen-2: "Probably Damaging"; Align-GVGD: "Class C0"). This variant has not been reported in the literature in individuals affected with SPG11-related conditions. This variant is not present in population databases (gnomAD no frequency). This sequence change replaces threonine, which is neutral and polar, with isoleucine, which is neutral and non-polar, at codon 2201 of the SPG11 protein (p.Thr2201Ile).